The following is an entry in ClinVar:

ClinVar aggregate classification (germline): Uncertain significance (1 of 4 stars; one submission).

Conditions:
Fanconi anemia complementation group C (FANCC). Also called: FANCONI PANCYTOPENIA, TYPE 3; FACC; Fanconi anemia, group C; FANCC-Related Fanconi Anemia. Identifiers: Orphanet 84, MedGen C3468041, MONDO:0009213, OMIM 227645.

Submission:

3billion
Classification: Uncertain significance for Fanconi anemia complementation group C. Last evaluated: 2025-09-15. Review status: criteria provided, single submitter. Criteria: ACMG Guidelines, 2015. Collection method: clinical testing. Allele origin: germline. Affected: yes.
Comment: The variant is observed at an extremely low frequency in the gnomAD v4.1.0 dataset (total allele frequency: 0.005%). Predicted Consequence/Location: Intron variant In silico tools predict the variant to alter splicing and produce an abnormal transcript [SpliceAI: 0.43 (>=0.2, moderate evidence for spliceogenicity)]. Therefore, this variant is classified as VUS according to the recommendation of ACMG/AMP guideline.

NM_000136.3(FANCC):c.-79+25372_-79+25375del

Gene: FANCC (FA complementation group C; minus strand). Cytogenetic location: 9q22.32.
Variant type: Deletion.
Coding change: c.-79+25372_-79+25375del on transcript NM_000136.3 (MANE Select); bases 25372 to 25375 of the intron after 79 bases upstream of the start codon, 4 bases deleted (AAGT; older notation c.-79+25372_-79+25375delAAGT).
Molecular consequence: intron variant.
Genome position (GRCh38, 1-based): chr9:95,292,151-95,292,154, ACTT deleted on the plus strand (AAGT on the coding strand, the reverse complement: FANCC is on the minus strand); deleting any 4 consecutive bases within chr9:95,292,151-95,292,156 gives the same sequence; the c. name uses the placement nearest the transcript's 3' end. VCF-style (leftmost placement, unchanged base first): chr9-95292150-CACTT-C. GRCh37 (hg19) VCF-style: chr9-98054432-CACTT-C.
Other names: c.-79+24975_-79+24978del (NM_001243743.2); c.-79+25372_-79+25375del (NM_001243744.2).
Identifiers: ClinVar variation 4855181 (VCV004855181.1).